The following is an entry in ClinVar:

ClinVar aggregate classification (germline): Uncertain significance (1 of 4 stars; one submission).

gnomAD v4.1: 4 of 1,608,628 alleles (0.00025%); highest among the groups gnomAD compares: Non-Finnish European, 0.00034%; no homozygotes.

Submission:

GeneDx
Classification: Uncertain significance. Last evaluated: 2025-06-13. Review status: criteria provided, single submitter. Criteria: GeneDx Variant Classification Process June 2021. Collection method: clinical testing. Allele origin: germline. Affected: yes.
Comment: Not observed at significant frequency in large population cohorts (gnomAD); In silico analysis suggests that this missense variant does not alter protein structure/function; Has not been previously published as pathogenic or benign to our knowledge

NM_005215.4(DCC):c.3025A>G (p.Ile1009Val)

Gene: DCC (DCC netrin 1 receptor; plus strand). Cytogenetic location: 18q21.2.
Variant type: single nucleotide variant.
Coding change: c.3025A>G on transcript NM_005215.4 (MANE Select); coding-DNA position 3025, A replaced by G.
Protein change: p.Ile1009Val; replaces isoleucine 1009 with valine.
Molecular consequence: missense variant.
Genome position (GRCh38, 1-based): chr18:53,410,541, A>G. VCF-style: chr18-53410541-A-G. GRCh37 (hg19) VCF-style: chr18-50936911-A-G.
Other names: short protein forms I1009V.
Identifiers: ClinVar variation 4537789 (VCV004537789.1).
Genomic context (GRCh38, chr18:53,410,541, plus strand): 5'-AACATCCCAATTGATGACTGGATTATGGAAACAATCAGTGGTGATAGGCTTACTCATCAA[A>G]TCATGGATCTCAACCTTGATACTATGTATTACTTTCGAATTCAAGCACGAAATTCAAAAG-3'
Protein context (NP_005206.2, residues 999-1019): TISGDRLTHQ[Ile1009Val]MDLNLDTMYY